The following is an entry in ClinVar:

NM_052874.5(STX1B):c.103C>A (p.Gln35Lys)

Gene: STX1B (syntaxin 1B; minus strand). Cytogenetic location: 16p11.2.
Variant type: single nucleotide variant.
Coding change: c.103C>A on transcript NM_052874.5 (MANE Select); coding-DNA position 103, C replaced by A.
Protein change: p.Gln35Lys; replaces glutamine 35 with lysine.
Molecular consequence: missense variant.
Genome position (GRCh38, 1-based): chr16:31,001,531, G>T on the plus strand (C>A on the coding strand, the complement: STX1B is on the minus strand). VCF-style: chr16-31001531-G-T. GRCh37 (hg19) VCF-style: chr16-31012852-G-T.
Other names: short protein forms Q35K.
Identifiers: ClinVar variation 1002201 (VCV001002201.10), dbSNP rs2056629841, ClinGen allele CA395651871.
Genomic context (GRCh38, chr16:31,001,531, plus strand): 5'-GGGCTGGGGCTGGGTGCTGGGGCTGGGGCTGGGGCTGGGGGCCTTGGAGGCCCATTACCT[G>T]TTCAAAGAACTCATCCATGAAGTGGTCCCGATCCACGTGGACCACCTCCTCTTCATCATC-3'
Protein context (NP_443106.1, residues 25-45): RDHFMDEFFE[Gln35Lys]VEEIRGCIEK

ClinVar aggregate classification (germline): Uncertain significance. Review status: criteria provided, multiple submitters, no conflicts (2 of 4 stars). 2 submissions from 2 submitters: Uncertain significance (2). Last evaluated 2024-02-12.

Conditions:
Generalized epilepsy with febrile seizures plus, type 9 (GEFSP9). Also called: GEFS+, TYPE 9. Identifiers: Orphanet 36387, MedGen C4015395, MONDO:0014517, OMIM 616172.

Allele frequency attached by ClinVar (database versions not stated): gnomAD exomes below 0.00001; TOPMed 0.00001.
gnomAD v4.1: 2 of 1,609,940 alleles (0.00012%); highest among the groups gnomAD compares: Non-Finnish European, 0.000085%; no homozygotes.

Submissions (2):

Labcorp Genetics (formerly Invitae), Labcorp
Classification: Uncertain significance for Generalized epilepsy with febrile seizures plus, type 9. Last evaluated: 2024-02-12. Review status: criteria provided, single submitter. Criteria: Invitae Variant Classification Sherloc (09022015). Collection method: clinical testing. Allele origin: germline.
Comment: This sequence change replaces glutamine, which is neutral and polar, with lysine, which is basic and polar, at codon 35 of the STX1B protein (p.Gln35Lys). This variant is not present in population databases (gnomAD no frequency). This variant has not been reported in the literature in individuals affected with STX1B-related conditions. ClinVar contains an entry for this variant (Variation ID: 1002201). An algorithm developed to predict the effect of missense changes on protein structure and function (PolyPhen-2) suggests that this variant is likely to be tolerated. In summary, the available evidence is currently insufficient to determine the role of this variant in disease. Therefore, it has been classified as a Variant of Uncertain Significance.

GeneDx
Classification: Uncertain significance. Last evaluated: 2019-09-24. Review status: criteria provided, single submitter. Criteria: GeneDx Variant Classification Process June 2021. Collection method: clinical testing. Allele origin: germline. Affected: yes.
Comment: Has not been previously published as pathogenic or benign to our knowledge; Not observed in large population cohorts (Lek et al., 2016); In silico analysis, which includes protein predictors and evolutionary conservation, supports that this variant does not alter protein structure/function